The following is an entry in ClinVar:

ClinVar aggregate classification (germline): Uncertain significance (1 of 4 stars; one submission).

Conditions:
Hyperekplexia 3 (HKPX3). Also called: HYPEREKPLEXIA 3, AUTOSOMAL RECESSIVE; HYPEREKPLEXIA 3, AUTOSOMAL DOMINANT. Identifiers: Orphanet 3197, MedGen C3553288, MONDO:0013827, OMIM 614618.

gnomAD v4.1: 3 of 1,614,082 alleles (0.00019%); highest among the groups gnomAD compares: Non-Finnish European, 0.00025%; no homozygotes.

Submission:

Labcorp Genetics (formerly Invitae), Labcorp
Classification: Uncertain significance for Hyperekplexia 3. Last evaluated: 2022-06-20. Review status: criteria provided, single submitter. Criteria: Invitae Variant Classification Sherloc (09022015). Collection method: clinical testing. Allele origin: germline.
Comment: This sequence change replaces serine, which is neutral and polar, with tyrosine, which is neutral and polar, at codon 168 of the SLC6A5 protein (p.Ser168Tyr). This variant is not present in population databases (gnomAD no frequency). This variant has not been reported in the literature in individuals affected with SLC6A5-related conditions. Algorithms developed to predict the effect of missense changes on protein structure and function are either unavailable or do not agree on the potential impact of this missense change (SIFT: "Deleterious"; PolyPhen-2: "Probably Damaging"; Align-GVGD: "Class C0"). In summary, the available evidence is currently insufficient to determine the role of this variant in disease. Therefore, it has been classified as a Variant of Uncertain Significance.

NM_004211.5(SLC6A5):c.503C>A (p.Ser168Tyr)

Gene: SLC6A5 (solute carrier family 6 member 5; plus strand). Cytogenetic location: 11p15.1.
Variant type: single nucleotide variant.
Coding change: c.503C>A on transcript NM_004211.5 (MANE Select); coding-DNA position 503, C replaced by A.
Protein change: p.Ser168Tyr; replaces serine 168 with tyrosine.
Molecular consequence: missense variant. On other transcripts: 5 prime UTR variant (1).
Genome position (GRCh38, 1-based): chr11:20,601,628, C>A. VCF-style: chr11-20601628-C-A. GRCh37 (hg19) VCF-style: chr11-20623174-C-A.
Other names: c.-61C>A (NM_001318369.2); short protein forms S168Y.
Identifiers: ClinVar variation 1471898 (VCV001471898.5), dbSNP rs1217156846, ClinGen allele CA379912448.